The following is an entry in ClinVar:

ClinVar aggregate classification (germline): Uncertain significance (1 of 4 stars; one submission).

Conditions:
Developmental and epileptic encephalopathy 94 (DEE94). Also called: CHD2-Related Neurodevelopmental Disorders; Epileptic encephalopathy, childhood-onset. Identifiers: Orphanet 1942, Orphanet 2382, MedGen C3809278, MONDO:0014150, OMIM 615369.

Submission:

Labcorp Genetics (formerly Invitae), Labcorp
Classification: Uncertain significance for Developmental and epileptic encephalopathy 94. Last evaluated: 2022-09-21. Review status: criteria provided, single submitter. Criteria: Invitae Variant Classification Sherloc (09022015). Collection method: clinical testing. Allele origin: germline.
Comment: In summary, the available evidence is currently insufficient to determine the role of this variant in disease. Therefore, it has been classified as a Variant of Uncertain Significance. Advanced modeling of protein sequence and biophysical properties (such as structural, functional, and spatial information, amino acid conservation, physicochemical variation, residue mobility, and thermodynamic stability) performed at Invitae indicates that this missense variant is not expected to disrupt CHD2 protein function. This variant has not been reported in the literature in individuals affected with CHD2-related conditions. This variant is not present in population databases (gnomAD no frequency). This sequence change replaces glutamine, which is neutral and polar, with histidine, which is basic and polar, at codon 1775 of the CHD2 protein (p.Gln1775His).

NM_001271.4(CHD2):c.5325G>T (p.Gln1775His)

Gene: CHD2 (chromodomain helicase DNA binding protein 2; plus strand). Cytogenetic location: 15q26.1.
Variant type: single nucleotide variant.
Coding change: c.5325G>T on transcript NM_001271.4 (MANE Select); coding-DNA position 5325, G replaced by T.
Protein change: p.Gln1775His; replaces glutamine 1775 with histidine.
Molecular consequence: missense variant.
Genome position (GRCh38, 1-based): chr15:93,024,543, G>T. VCF-style: chr15-93024543-G-T. GRCh37 (hg19) VCF-style: chr15-93567773-G-T.
Other names: short protein forms Q1775H.
Identifiers: ClinVar variation 2116213 (VCV002116213.4), dbSNP rs2505650884, ClinGen allele CA393908555.